The following is an entry in ClinVar:

NM_178452.6(DNAAF1):c.1550C>T (p.Ala517Val)

Gene: DNAAF1 (dynein axonemal assembly factor 1; plus strand). Cytogenetic location: 16q24.1.
Variant type: single nucleotide variant.
Coding change: c.1550C>T on transcript NM_178452.6 (MANE Select); coding-DNA position 1550, C replaced by T.
Protein change: p.Ala517Val; replaces alanine 517 with valine.
Molecular consequence: missense variant.
Genome position (GRCh38, 1-based): chr16:84,172,281, C>T. VCF-style: chr16-84172281-C-T. GRCh37 (hg19) VCF-style: chr16-84205887-C-T.
Other names: c.842C>T, p.Ala281Val (NM_001318756.1); c.1550C>T (NM_178452.4); short protein forms A517V, A281V.
Identifiers: ClinVar variation 1519257 (VCV001519257.13), dbSNP rs754836834, ClinGen allele CA285525920.

ClinVar aggregate classification (germline): Uncertain significance. Review status: criteria provided, multiple submitters, no conflicts (2 of 4 stars). 2 submissions from 2 submitters: Uncertain significance (2). Last evaluated 2021-11-13.

Conditions:
Primary ciliary dyskinesia. Also called: Ciliary dyskinesia. Identifiers: Orphanet 244, MedGen C0008780, MONDO:0016575, HP:0012265.

Allele frequency attached by ClinVar (database versions not stated): gnomAD 0.00001; TOPMed 0.00002.
gnomAD v4.1: 21 of 1,614,006 alleles (0.0013%); highest among the groups gnomAD compares: Admixed American, 0.0067%; no homozygotes.

Submissions (2):

Labcorp Genetics (formerly Invitae), Labcorp
Classification: Uncertain significance for Primary ciliary dyskinesia. Last evaluated: 2021-11-13. Review status: criteria provided, single submitter. Criteria: Invitae Variant Classification Sherloc (09022015). Collection method: clinical testing. Allele origin: germline.
Comment: This sequence change replaces alanine, which is neutral and non-polar, with valine, which is neutral and non-polar, at codon 517 of the DNAAF1 protein (p.Ala517Val). This variant is present in population databases (no rsID available, gnomAD 0.009%). This variant has not been reported in the literature in individuals affected with DNAAF1-related conditions. Algorithms developed to predict the effect of missense changes on protein structure and function output the following: SIFT: "Tolerated"; PolyPhen-2: "Benign"; Align-GVGD: "Class C0". The valine amino acid residue is found in multiple mammalian species, which suggests that this missense change does not adversely affect protein function. In summary, the available evidence is currently insufficient to determine the role of this variant in disease. Therefore, it has been classified as a Variant of Uncertain Significance.

Ambry Genetics
Classification: Uncertain significance for Primary ciliary dyskinesia. Last evaluated: 2021-11-12. Review status: criteria provided, single submitter. Criteria: Ambry Variant Classification Scheme 2023. Collection method: clinical testing. Allele origin: germline.